The following is an entry in ClinVar:

NM_206926.2(SELENON):c.180del (p.Gln61fs)

Gene: SELENON (selenoprotein N; plus strand). Cytogenetic location: 1p36.11.
Variant type: Deletion.
Coding change: c.180del on transcript NM_206926.2 (MANE Select); coding-DNA position 180, one base deleted (G; older notation c.180delG).
Protein change: p.Gln61fs; shifts the reading frame from glutamine 61.
Molecular consequence: frameshift variant.
Genome position (GRCh38, 1-based): chr1:25,800,410, G deleted; the last of 2 consecutive G bases (chr1:25,800,409-25,800,410); deleting either gives the same sequence. VCF-style (leftmost placement, unchanged base first): chr1-25800408-CG-C. GRCh37 (hg19) VCF-style: chr1-26126899-CG-C.
Other names: c.180del, p.Gln61fs (NM_020451.3); short protein forms Q61fs.
Identifiers: ClinVar variation 631602 (VCV000631602.9), dbSNP rs1557814066, ClinGen allele CA913189298.

ClinVar aggregate classification (germline): Pathogenic (1 of 4 stars; one submission).

Conditions:
Eichsfeld type congenital muscular dystrophy (CMYO3). Also called: Rigid spine muscular dystrophy 1; MYOPATHY, SEPN1-RELATED; SELENON-related myopathy; Congenital myopathy 3 with rigid spine. Identifiers: MedGen C0410180, MONDO:0100100, OMIM 602771.

Submission:

Labcorp Genetics (formerly Invitae), Labcorp
Classification: Pathogenic for Eichsfeld type congenital muscular dystrophy. Last evaluated: 2022-06-04. Review status: criteria provided, single submitter. Criteria: Invitae Variant Classification Sherloc (09022015). Collection method: clinical testing. Allele origin: germline.
Comment: For these reasons, this variant has been classified as Pathogenic. ClinVar contains an entry for this variant (Variation ID: 631602). This variant has not been reported in the literature in individuals affected with SELENON-related conditions. This variant is not present in population databases (gnomAD no frequency). This sequence change creates a premature translational stop signal (p.Gln61Argfs*5) in the SELENON gene. It is expected to result in an absent or disrupted protein product. Loss-of-function variants in SELENON are known to be pathogenic (PMID: 21131290, 21670436).

Literature cited by the submitters: PubMed 21131290; PubMed 21670436.